The following is an entry in ClinVar:

ClinVar aggregate classification (germline): Likely benign. Review status: criteria provided, multiple submitters, no conflicts (2 of 4 stars). 6 submissions from 6 submitters: Likely benign (5). 1 of the submissions does not count toward it. Last evaluated 2026-01-12.

Conditions:
FLNA-related disorder.
Frontometaphyseal dysplasia (FMD1). Identifiers: Orphanet 1826, MedGen C0265293, MONDO:0015942.
Melnick-Needles syndrome (MNS). Also called: MELNICK-NEEDLES OSTEODYSPLASTY; Melnick-Needles Syndrome (FLNA-MNS); OSTEODYSPLASTY OF MELNICK AND NEEDLES. Identifiers: Orphanet 2484, MedGen C0025237, MONDO:0010650, OMIM 309350.
Oto-palato-digital syndrome, type II (OPD2). Also called: FACIOPALATOOSSEOUS SYNDROME; Otopalatodigital Syndrome Type 2 (FLNA-OPD2); Otopalatodigital Syndrome, Type II; OPD II SYNDROME. Identifiers: Orphanet 669, Orphanet 90652, MedGen C1844696, MONDO:0010571, OMIM 304120.
Heterotopia, periventricular, X-linked dominant (PVNH1). Also called: PERIVENTRICULAR NODULAR HETEROTOPIA 4; HETEROTOPIA, PERIVENTRICULAR, 1; X-linked periventricular heterotopia; PERIVENTRICULAR NODULAR HETEROTOPIA 1. Identifiers: Orphanet 2149, Orphanet 82004, MedGen C1848213, MONDO:0010233, OMIM 300049.
Familial thoracic aortic aneurysm and aortic dissection (TAAD). Also called: Thoracic aortic aneurysms and dissections. Identifiers: Orphanet 91387, MedGen C4707243, MONDO:0019625.

Allele frequency attached by ClinVar (database versions not stated): ExAC 0.00003; gnomAD exomes 0.00006 and 0.00010; gnomAD 0.00011 and 0.00012; TOPMed 0.00020.

Submissions (6):

Labcorp Genetics (formerly Invitae), Labcorp
Classification: Likely benign for Oto-palato-digital syndrome, type II; Heterotopia, periventricular, X-linked dominant; Frontometaphyseal dysplasia; Melnick-Needles syndrome. Last evaluated: 2026-01-12. Review status: criteria provided, single submitter. Criteria: Invitae Variant Classification Sherloc (09022015). Collection method: clinical testing. Allele origin: germline.

Blueprint Genetics
Classification: Likely benign. Last evaluated: 2024-10-08. Review status: criteria provided, single submitter. Criteria: ACMG Guidelines, 2015. Collection method: clinical testing. Allele origin: germline.

GeneDx
Classification: Likely benign. Last evaluated: 2021-11-01. Review status: criteria provided, single submitter. Criteria: GeneDx Variant Classification Process June 2021. Collection method: clinical testing. Allele origin: germline. Affected: yes.

Genetic Services Laboratory, University of Chicago
Classification: Likely benign. Last evaluated: 2018-06-05. Review status: criteria provided, single submitter. Criteria: ACMG Guidelines, 2015. Collection method: clinical testing. Allele origin: germline. Affected: no.

Ambry Genetics
Classification: Likely benign for Familial thoracic aortic aneurysm and aortic dissection. Last evaluated: 2015-09-06. Review status: criteria provided, single submitter. Criteria: Ambry Variant Classification Scheme 2023. Collection method: clinical testing. Allele origin: germline.

PreventionGenetics, part of Exact Sciences
Classification: Likely benign for FLNA-related condition. Last evaluated: 2019-05-01. Review status: no assertion criteria provided. Collection method: clinical testing. Allele origin: germline. Not counted in ClinVar's aggregate classification.
Comment: This variant is classified as likely benign based on ACMG/AMP sequence variant interpretation guidelines (Richards et al. 2015 PMID: 25741868, with internal and published modifications).

NM_001110556.2(FLNA):c.7305C>T (p.Tyr2435=)

Gene: FLNA (filamin A; minus strand). Cytogenetic location: Xq28.
Variant type: single nucleotide variant.
Coding change: c.7305C>T on transcript NM_001110556.2 (MANE Select); coding-DNA position 7305, C replaced by T.
Protein change: p.Tyr2435=; no amino-acid change (tyrosine 2435 retained).
Molecular consequence: synonymous variant.
Genome position (GRCh38, 1-based): chrX:154,350,059, G>A on the plus strand (C>T on the coding strand, the complement: FLNA is on the minus strand). VCF-style: chrX-154350059-G-A. GRCh37 (hg19) VCF-style: chrX-153578427-G-A.
Other names: c.7305C>T (NM_001110556.1); c.7281C>T, p.Tyr2427= (NM_001456.4).
Identifiers: ClinVar variation 264309 (VCV000264309.26), dbSNP rs782750091, ClinGen allele CA10559927.